The following is an entry in ClinVar:

ClinVar aggregate classification (germline): Pathogenic (1 of 4 stars; one submission).

Conditions:
Diffuse cerebral and cerebellar atrophy - intractable seizures - progressive microcephaly syndrome. Also called: Microcephaly, progressive, with seizures and cerebral and cerebellar atrophy. Identifiers: Orphanet 404437, MedGen C4014239, MONDO:0014335, OMIM 615760.

Submission:

Labcorp Genetics (formerly Invitae), Labcorp
Classification: Pathogenic for Diffuse cerebral and cerebellar atrophy - intractable seizures - progressive microcephaly syndrome. Last evaluated: 2022-06-14. Review status: criteria provided, single submitter. Criteria: Invitae Variant Classification Sherloc (09022015). Collection method: clinical testing. Allele origin: germline.
Comment: For these reasons, this variant has been classified as Pathogenic. This variant has not been reported in the literature in individuals affected with QARS-related conditions. This variant is not present in population databases (gnomAD no frequency). This sequence change creates a premature translational stop signal (p.His359Thrfs*46) in the QARS gene. It is expected to result in an absent or disrupted protein product. Loss-of-function variants in QARS are known to be pathogenic (PMID: 24656866, 25471517).

Literature cited by the submitters: PubMed 24656866; PubMed 25471517.

NM_005051.3(QARS1):c.1075del (p.His359fs)

Gene: QARS1 (glutaminyl-tRNA synthetase 1; minus strand). Cytogenetic location: 3p21.31.
Variant type: Deletion.
Coding change: c.1075del on transcript NM_005051.3 (MANE Select); coding-DNA position 1075, one base deleted (C; older notation c.1075delC).
Protein change: p.His359fs; shifts the reading frame from histidine 359.
Molecular consequence: frameshift variant. On other transcripts: non-coding transcript variant (1).
Genome position (GRCh38, 1-based): chr3:49,100,279, G deleted on the plus strand (C on the coding strand, the reverse complement: QARS1 is on the minus strand); the first of 2 consecutive G bases (chr3:49,100,279-49,100,280); deleting either gives the same sequence. VCF-style (leftmost placement, unchanged base first): chr3-49100278-TG-T. GRCh37 (hg19) VCF-style: chr3-49137711-TG-T.
Other names: c.1042del, p.His348fs (NM_001272073.2); short protein forms H359fs, H348fs.
Identifiers: ClinVar variation 1456651 (VCV001456651.6), dbSNP rs2042451819, ClinGen allele CA1363328851.